The following is an entry in ClinVar:

ClinVar aggregate classification (germline): Benign. Review status: criteria provided, multiple submitters, no conflicts (2 of 4 stars). 2 submissions from 2 submitters: Benign (2). Last evaluated 2018-01-12.

Conditions:
Retinitis pigmentosa (RP). Identifiers: Orphanet 791, MedGen C0035334, MeSH D012174, MONDO:0019200, OMIM 268000. Inheritance: Autosomal dominant, autosomal recessive and X linked inheritance.

Allele frequency attached by ClinVar (database versions not stated): gnomAD exomes 0.48905 and 0.54452; gnomAD 0.49130 and 0.50194; TOPMed 0.52841; ExAC 0.55598; 1000 Genomes Project 30x 0.66521; 1000 Genomes Project 0.66873.
gnomAD v4.1: 223,244 of 453,170 alleles (49%); highest among the groups gnomAD compares: East Asian, 100%; 60,926 homozygotes.

Submissions (2):

Illumina Laboratory Services, Illumina
Classification: Benign for Retinitis pigmentosa. Last evaluated: 2018-01-12. Review status: criteria provided, single submitter. Criteria: ICSL Variant Classification Criteria 13 December 2019. Collection method: clinical testing. Allele origin: germline.
Comment: This variant was observed in the ICSL laboratory as part of a predisposition screen in an ostensibly healthy population. It had not been previously curated by ICSL or reported in the Human Gene Mutation Database (HGMD: prior to June 1st, 2018), and was therefore a candidate for classification through an automated scoring system. Utilizing variant allele frequency, disease prevalence and penetrance estimates, and inheritance mode, an automated score was calculated to assess if this variant is too frequent to cause the disease. Based on the score and internal cut-off values, a variant classified as benign is not then subjected to further curation. The score for this variant resulted in a classification of benign for this disease.

Breakthrough Genomics
Classification: Benign. Review status: criteria provided, single submitter. Criteria: ACMG Guidelines, 2015. Collection method: not provided. Allele origin: germline. Inheritance: Autosomal recessive inheritance. Affected: yes.

NM_002602.4(PDE6G):c.*570T>C

Gene: PDE6G (phosphodiesterase 6G; minus strand). Cytogenetic location: 17q25.3.
Variant type: single nucleotide variant.
Coding change: c.*570T>C on transcript NM_002602.4 (MANE Select); 570 bases downstream of the stop codon, T replaced by C.
Molecular consequence: 3 prime UTR variant. On other transcripts: non-coding transcript variant (2).
Genome position (GRCh38, 1-based): chr17:81,650,504, A>G on the plus strand (T>C on the coding strand, the complement: PDE6G is on the minus strand). VCF-style: chr17-81650504-A-G. GRCh37 (hg19) VCF-style: chr17-79617534-A-G.
Other names: c.*570T>C (NM_001365724.1, NM_001365725.1).
Identifiers: ClinVar variation 325850 (VCV000325850.6), dbSNP rs3432, ClinGen allele CA8838918.